The following is an entry in ClinVar:

ClinVar aggregate classification (germline): Uncertain significance (1 of 4 stars; one submission).

Conditions:
Pityriasis rubra pilaris (PRP). Also called: Pityriasis rubra pilaris--familial type. Identifiers: Orphanet 2897, MedGen C0032027, MONDO:0100017, OMIM 173200, MONDO:0008251.
Psoriasis 2. Identifiers: MedGen C1864497, MONDO:0011269, OMIM 602723.

Allele frequency attached by ClinVar (database versions not stated): gnomAD exomes below 0.00001.
gnomAD v4.1: 1 of 1,613,898 alleles (0.000062%); highest among the groups gnomAD compares: Non-Finnish European, 0.000085%; no homozygotes.

Submission:

Labcorp Genetics (formerly Invitae), Labcorp
Classification: Uncertain significance for Pityriasis rubra pilaris; Psoriasis 2. Last evaluated: 2025-02-24. Review status: criteria provided, single submitter. Criteria: Invitae Variant Classification Sherloc (09022015). Collection method: clinical testing. Allele origin: germline.
Comment: This sequence change creates a premature translational stop signal (p.Gln388*) in the CARD14 gene. It is expected to result in an absent or disrupted protein product. However, the current clinical and genetic evidence is not sufficient to establish whether loss-of-function variants in CARD14 cause disease. This variant is present in population databases (no rsID available, gnomAD 0.0009%). This variant has not been reported in the literature in individuals affected with CARD14-related conditions. ClinVar contains an entry for this variant (Variation ID: 2002588). Algorithms developed to predict the effect of sequence changes on RNA splicing suggest that this variant may create or strengthen a splice site. In summary, the available evidence is currently insufficient to determine the role of this variant in disease. Therefore, it has been classified as a Variant of Uncertain Significance.

NM_001366385.1(CARD14):c.1162C>T (p.Gln388Ter)

Gene: CARD14 (caspase recruitment domain family member 14; plus strand). Cytogenetic location: 17q25.3.
Variant type: single nucleotide variant.
Coding change: c.1162C>T on transcript NM_001366385.1 (MANE Select); coding-DNA position 1162, C replaced by T.
Protein change: p.Gln388Ter; replaces glutamine 388 with a stop codon.
Molecular consequence: nonsense. On other transcripts: non-coding transcript variant (1).
Genome position (GRCh38, 1-based): chr17:80,191,395, C>T. VCF-style: chr17-80191395-C-T. GRCh37 (hg19) VCF-style: chr17-78165194-C-T.
Other names: c.1162C>T, p.Gln388Ter (NM_001257970.1, NM_024110.4); c.451C>T, p.Gln151Ter (NM_052819.3); short protein forms Q151*, Q388*.
Identifiers: ClinVar variation 2002588 (VCV002002588.4), dbSNP rs1414205649, ClinGen allele CA401346167.